The following is an entry in ClinVar:

ClinVar aggregate classification (germline): Uncertain significance (1 of 4 stars; one submission).

Conditions:
Dyskeratosis congenita. Identifiers: Orphanet 1775, MedGen C0265965, MONDO:0015780.

Submission:

Ambry Genetics
Classification: Uncertain significance for Dyskeratosis congenita. Last evaluated: 2025-05-17. Review status: criteria provided, single submitter. Criteria: Ambry Variant Classification Scheme 2023. Collection method: clinical testing. Allele origin: germline.
Comment: The p.L536R variant (also known as c.1607T>G), located in coding exon 3 of the TERT gene, results from a T to G substitution at nucleotide position 1607. The leucine at codon 536 is replaced by arginine, an amino acid with dissimilar properties. This amino acid position is conserved. In addition, this alteration is predicted to be tolerated by in silico analysis. Based on the available evidence, the clinical significance of this variant remains unclear.

NM_198253.3(TERT):c.1607T>G (p.Leu536Arg)

Gene: TERT (telomerase reverse transcriptase; minus strand). Cytogenetic location: 5p15.33.
Variant type: single nucleotide variant.
Coding change: c.1607T>G on transcript NM_198253.3 (MANE Select); coding-DNA position 1607, T replaced by G.
Protein change: p.Leu536Arg; replaces leucine 536 with arginine.
Molecular consequence: missense variant. On other transcripts: non-coding transcript variant (2).
Genome position (GRCh38, 1-based): chr5:1,282,591, A>C on the plus strand (T>G on the coding strand, the complement: TERT is on the minus strand). VCF-style: chr5-1282591-A-C. GRCh37 (hg19) VCF-style: chr5-1282706-A-C.
Other names: c.1607T>G, p.Leu536Arg (NM_001193376.3); short protein forms L536R.
Identifiers: ClinVar variation 3967369 (VCV003967369.1).